The following is an entry in ClinVar:

ClinVar aggregate classification (germline): Uncertain significance (1 of 4 stars; one submission).

Submission:

GeneDx
Classification: Uncertain significance. Last evaluated: 2026-03-19. Review status: criteria provided, single submitter. Criteria: GeneDx Variant Classification Process June 2021. Collection method: clinical testing. Allele origin: germline.
Comment: In-frame deletion of 4 amino acid(s) in a non-repeat region; Not observed at significant frequency in large population cohorts (gnomAD); In silico analysis supports a deleterious effect on protein structure/function; Has not been previously published as pathogenic or benign to our knowledge

NM_001330260.2(SCN8A):c.1909_1920del (p.Val637_Asn640del)

Gene: SCN8A (sodium voltage-gated channel alpha subunit 8; plus strand). Cytogenetic location: 12q13.13.
Variant type: Deletion.
Coding change: c.1909_1920del on transcript NM_001330260.2 (MANE Select); coding-DNA positions 1909 to 1920, 12 bases deleted (GTGAAGCGCAAC).
Protein change: p.Val637_Asn640del.
Molecular consequence: inframe deletion.
Genome position (GRCh38, 1-based): chr12:51,721,819-51,721,830, GTGAAGCGCAAC deleted; deleting any 12 consecutive bases within chr12:51,721,818-51,721,830 gives the same sequence; the c. name uses the placement nearest the transcript's 3' end. VCF-style (leftmost placement, unchanged base first): chr12-51721817-GCGTGAAGCGCAA-G. GRCh37 (hg19) VCF-style: chr12-52115601-GCGTGAAGCGCAA-G.
Other names: c.1909_1920del, p.Val637_Asn640del (NM_001177984.3, NM_001369788.1, NM_014191.4).
Identifiers: ClinVar variation 5009533 (VCV005009533.1).